The following is an entry in ClinVar:

NM_194248.3(OTOF):c.3202C>T (p.Arg1068Cys)

Gene: OTOF (otoferlin; minus strand). Cytogenetic location: 2p23.3.
Variant type: single nucleotide variant.
Coding change: c.3202C>T on transcript NM_194248.3 (MANE Select); coding-DNA position 3202, C replaced by T.
Protein change: p.Arg1068Cys; replaces arginine 1068 with cysteine.
Molecular consequence: missense variant.
Genome position (GRCh38, 1-based): chr2:26,474,599, G>A on the plus strand (C>T on the coding strand, the complement: OTOF is on the minus strand). VCF-style: chr2-26474599-G-A. GRCh37 (hg19) VCF-style: chr2-26697467-G-A.
Other names: c.3202C>T, p.Arg1068Cys (NM_001287489.2); c.961C>T, p.Arg321Cys (NM_004802.4, NM_194323.3); c.1132C>T, p.Arg378Cys (NM_194322.3); short protein forms R1068C, R321C, R378C.
Identifiers: ClinVar variation 2419666 (VCV002419666.7), dbSNP rs1471267138, ClinGen allele CA346109002.

ClinVar aggregate classification (germline): Uncertain significance. Review status: criteria provided, multiple submitters, no conflicts (2 of 4 stars). 2 submissions from 2 submitters: Uncertain significance (2). Last evaluated 2024-03-15.

Allele frequency attached by ClinVar (database versions not stated): gnomAD 0.00001; gnomAD exomes 0.00001.
gnomAD v4.1: 21 of 1,613,132 alleles (0.0013%); highest among the groups gnomAD compares: Admixed American, 0.0083%; no homozygotes.

Submissions (2):

GeneDx
Classification: Uncertain significance. Last evaluated: 2024-03-15. Review status: criteria provided, single submitter. Criteria: GeneDx Variant Classification Process June 2021. Collection method: clinical testing. Allele origin: germline. Affected: yes.
Comment: In silico analysis supports that this missense variant has a deleterious effect on protein structure/function; Has not been previously published as pathogenic or benign to our knowledge

Labcorp Genetics (formerly Invitae), Labcorp
Classification: Uncertain significance. Last evaluated: 2022-01-16. Review status: criteria provided, single submitter. Criteria: Invitae Variant Classification Sherloc (09022015). Collection method: clinical testing. Allele origin: germline.
Comment: In summary, the available evidence is currently insufficient to determine the role of this variant in disease. Therefore, it has been classified as a Variant of Uncertain Significance. Algorithms developed to predict the effect of missense changes on protein structure and function are either unavailable or do not agree on the potential impact of this missense change (SIFT: "Deleterious"; PolyPhen-2: "Probably Damaging"; Align-GVGD: "Class C0"). This variant has not been reported in the literature in individuals affected with OTOF-related conditions. This variant is present in population databases (no rsID available, gnomAD 0.01%). This sequence change replaces arginine, which is basic and polar, with cysteine, which is neutral and slightly polar, at codon 1068 of the OTOF protein (p.Arg1068Cys).